The following is an entry in ClinVar:

NM_001375.3(DNASE2):c.911G>A (p.Gly304Glu)

Gene: DNASE2 (deoxyribonuclease 2, lysosomal; minus strand). Cytogenetic location: 19p13.13.
Variant type: single nucleotide variant.
Coding change: c.911G>A on transcript NM_001375.3 (MANE Select); coding-DNA position 911, G replaced by A.
Protein change: p.Gly304Glu; replaces glycine 304 with glutamic acid.
Molecular consequence: missense variant.
Genome position (GRCh38, 1-based): chr19:12,876,162, C>T on the plus strand (G>A on the coding strand, the complement: DNASE2 is on the minus strand). VCF-style: chr19-12876162-C-T. GRCh37 (hg19) VCF-style: chr19-12986976-C-T.
Other names: short protein forms G304E.
Identifiers: ClinVar variation 2092797 (VCV002092797.1), dbSNP rs1033498458, ClinGen allele CA305497436.

ClinVar aggregate classification (germline): Uncertain significance (1 of 4 stars; one submission).

gnomAD v4.1: 2 of 1,614,206 alleles (0.00012%); highest among the groups gnomAD compares: Non-Finnish European, 0.000085%; no homozygotes.

Submission:

Labcorp Genetics (formerly Invitae), Labcorp
Classification: Uncertain significance. Last evaluated: 2022-04-01. Review status: criteria provided, single submitter. Criteria: Invitae Variant Classification Sherloc (09022015). Collection method: clinical testing. Allele origin: germline.
Comment: This sequence change replaces glycine, which is neutral and non-polar, with glutamic acid, which is acidic and polar, at codon 304 of the DNASE2 protein (p.Gly304Glu). This variant is not present in population databases (gnomAD no frequency). This variant has not been reported in the literature in individuals affected with DNASE2-related conditions. Algorithms developed to predict the effect of missense changes on protein structure and function output the following: SIFT: "Tolerated"; PolyPhen-2: "Benign"; Align-GVGD: "Class C0". The glutamic acid amino acid residue is found in multiple mammalian species, which suggests that this missense change does not adversely affect protein function. In summary, the available evidence is currently insufficient to determine the role of this variant in disease. Therefore, it has been classified as a Variant of Uncertain Significance.